The following is an entry in ClinVar:

ClinVar aggregate classification (germline): Conflicting classifications of pathogenicity. Review status: criteria provided, conflicting classifications (1 of 4 stars). 18 submissions from 17 submitters: Uncertain significance (3); Benign (10); Likely benign (1). 4 of the submissions do not count toward it. Last evaluated 2026-09-01.

Conditions:
Retinal dystrophy. Also called: Inherited retinal dystrophy. Identifiers: Orphanet 71862, MedGen C0854723, MeSH D058499, MONDO:0019118, HP:0000556.
Nonsyndromic genetic hearing loss. Also called: Nonsyndromic hearing loss and deafness; Non-syndromic genetic deafness; Nonsyndromic genetic deafness. Identifiers: Orphanet 87884, MedGen C5680182, MONDO:0019497.
Usher syndrome type 1 (USH1). Also called: RETINITIS PIGMENTOSA AND CONGENITAL DEAFNESS. Identifiers: Orphanet 231169, Orphanet 886, MedGen C1568247, MONDO:0010168, OMIM 276900.
Usher syndrome type 1D (USH1D). Also called: USHER SYNDROME, TYPE ID. Identifiers: Orphanet 231169, Orphanet 886, MedGen C1832845, MONDO:0010984, OMIM 601067.
Autosomal recessive nonsyndromic hearing loss 12. Also called: DEAFNESS, AUTOSOMAL RECESSIVE 12. Identifiers: Orphanet 90636, MedGen C1832394, MONDO:0011067, OMIM 601386.

Allele frequency attached by ClinVar (database versions not stated): 1000 Genomes Project 30x 0.00187; ESP Exome Variant Server 0.00812; gnomAD exomes 0.00948 and 0.00732; gnomAD 0.00680 and 0.00648; ExAC 0.00700; TOPMed 0.00730; 1000 Genomes Project 0.00200.
gnomAD v4.1: 14,904 of 1,613,862 alleles (0.92%); highest among the groups gnomAD compares: Non-Finnish European, 1%; 135 homozygotes.

Submissions (18):

CeGaT Center for Human Genetics Tuebingen
Classification: Benign. Last evaluated: 2026-09-01. Review status: criteria provided, single submitter. Criteria: CeGaT Center For Human Genetics Tuebingen Variant Classification Criteria Version 2. Collection method: clinical testing. Allele origin: germline. Affected: yes. Observed: 28 variant alleles.
Comment: CDH23: BS1, BS2

Labcorp Genetics (formerly Invitae), Labcorp
Classification: Benign. Last evaluated: 2026-02-04. Review status: criteria provided, single submitter. Criteria: Invitae Variant Classification Sherloc (09022015). Collection method: clinical testing. Allele origin: germline.

ARUP Laboratories, Molecular Genetics and Genomics, ARUP Laboratories
Classification: Benign. Last evaluated: 2023-11-22. Review status: criteria provided, single submitter. Criteria: ARUP Molecular Germline Variant Investigation Process 2024. Collection method: clinical testing. Allele origin: germline.

Institute of Human Genetics, Univ. Regensburg, Univ. Regensburg
Classification: Uncertain significance for Retinal dystrophy. Last evaluated: 2023-01-01. Review status: criteria provided, single submitter. Criteria: ACMG Guidelines, 2015. Collection method: clinical testing. Allele origin: germline. Affected: yes.

Mayo Clinic Laboratories, Mayo Clinic
Classification: Benign. Last evaluated: 2021-08-06. Review status: criteria provided, single submitter. Criteria: ACMG Guidelines, 2015. Collection method: clinical testing. Allele origin: germline. Observed: 3 variant alleles.
Comment: BA1, BS2

INGEBI, INGEBI / CONICET
Classification: Benign for Nonsyndromic genetic hearing loss. Last evaluated: 2021-07-15. Review status: criteria provided, single submitter. Criteria: ClinGen HL ACMG Specifications v1. Collection method: clinical testing. Allele origin: germline. Inheritance: Autosomal recessive inheritance. Affected: yes.
Comment: Based on ACMG/AMP guidelines and Hearing Loss Expert Panel specific criteria:The filter allele frequency of c.1096 G>A (A366T) in CDH23 gene is 500/10356 (4,5% with 95% CI) in Ashkenazi Jewish ethnic group in gnomad population database, witch meets the criteria for BA1. Computational evidence is not suffcient to apply to PP3 either BP4 (REVEL:0.198). This variant has been identifiec with c.3293A>G in CDH23 gene in an Usher type 1D patient with unkown phase (PMID:18429043 ). Since c.3293A>G is classified as VUS, PM3 is not applied. Also, A366T was detected in hetercygous state in three usher patients without other variants (PMID: 15660226). Considering BA1, the variant is classified as Benign.

Athena Diagnostics
Classification: Benign. Last evaluated: 2020-07-24. Review status: criteria provided, single submitter. Criteria: Athena Diagnostics Criteria. Collection method: clinical testing. Allele origin: unknown.

GeneDx
Classification: Benign. Last evaluated: 2018-01-16. Review status: criteria provided, single submitter. Criteria: GeneDx Variant Classification (06012015). Collection method: clinical testing. Allele origin: germline. Affected: yes.
Comment: This variant is considered likely benign or benign based on one or more of the following criteria: it is a conservative change, it occurs at a poorly conserved position in the protein, it is predicted to be benign by multiple in silico algorithms, and/or has population frequency not consistent with disease.

Center for Pediatric Genomic Medicine, Children's Mercy Hospital and Clinics
Classification: Likely benign. Last evaluated: 2017-09-07. Review status: criteria provided, single submitter. Criteria: ACMG Guidelines, 2015. Collection method: clinical testing. Allele origin: germline.

Illumina Laboratory Services, Illumina
Classification: Uncertain significance for Usher syndrome type 1D. Last evaluated: 2017-04-27. Review status: criteria provided, single submitter. Criteria: ICSL Variant Classification Criteria 13 December 2019. Collection method: clinical testing. Allele origin: germline.
Comment: This variant was observed as part of a predisposition screen in an ostensibly healthy population. A literature search was performed for the gene, cDNA change, and amino acid change (where applicable). Publications were found based on this search. However, the evidence from the literature, in combination with allele frequency data from public databases where available, was not sufficient to rule this variant in or out of causing disease. Therefore, this variant is classified as a variant of unknown significance.

Illumina Laboratory Services, Illumina
Classification: Uncertain significance for Autosomal recessive nonsyndromic hearing loss 12. Last evaluated: 2017-04-27. Review status: criteria provided, single submitter. Criteria: ICSL Variant Classification Criteria 13 December 2019. Collection method: clinical testing. Allele origin: germline.

Eurofins Ntd Llc (ga)
Classification: Benign. Last evaluated: 2015-01-13. Review status: criteria provided, single submitter. Criteria: EGL Classification Definitions 2015. Collection method: clinical testing. Allele origin: germline. Observed: 2 variant alleles, 2 heterozygotes.

Laboratory for Molecular Medicine, Mass General Brigham Personalized Medicine
Classification: Benign. Last evaluated: 2013-01-30. Review status: criteria provided, single submitter. Criteria: LMM Criteria. Collection method: clinical testing. Allele origin: germline. Observed: 42 variant alleles.
Comment: Ala366Thr in Exon 11A of CDH23: This variant is not expected to have clinical si gnificance because it has been identified in 1.0% (88/8560) of European American chromosomes from a broad population by the NHLBI Exome Sequencing Project (dbSNP rs143282422).

PreventionGenetics, part of Exact Sciences
Classification: Benign. Review status: criteria provided, single submitter. Criteria: ACMG Guidelines, 2015. Collection method: clinical testing. Allele origin: germline.

Natera, Inc.
Classification: Benign for Usher syndrome type 1. Last evaluated: 2019-11-15. Review status: no assertion criteria provided. Collection method: clinical testing. Allele origin: germline. Not counted in ClinVar's aggregate classification.

Clinical Genetics DNA and cytogenetics Diagnostics Lab, Erasmus MC, Erasmus Medical Center
Classification: Likely benign. Review status: no assertion criteria provided. Collection method: clinical testing. Allele origin: germline. Affected: yes. Study: VKGL Data-share Consensus. Not counted in ClinVar's aggregate classification.

Joint Genome Diagnostic Labs from Nijmegen and Maastricht, Radboudumc and MUMC+
Classification: Benign. Review status: no assertion criteria provided. Collection method: clinical testing. Allele origin: germline. Affected: yes. Study: VKGL Data-share Consensus. Not counted in ClinVar's aggregate classification.

Laboratory of Diagnostic Genome Analysis, Leiden University Medical Center (LUMC)
Classification: Likely benign. Review status: no assertion criteria provided. Collection method: clinical testing. Allele origin: germline. Affected: yes. Study: VKGL Data-share Consensus. Not counted in ClinVar's aggregate classification.

Literature cited by the submitters: PubMed 15660226 (cited by 4 submitters); PubMed 21228398 (cited by Institute of Human Genetics, Univ. Regensburg, Univ. Regensburg); PubMed 24082139 (cited by Institute of Human Genetics, Univ. Regensburg, Univ. Regensburg); PubMed 23208854 (cited by Institute of Human Genetics, Univ. Regensburg, Univ. Regensburg and Athena Diagnostics); PubMed 25262649 (cited by Institute of Human Genetics, Univ. Regensburg, Univ. Regensburg); PubMed 30245029 (cited by Institute of Human Genetics, Univ. Regensburg, Univ. Regensburg); PubMed 30872718 (cited by Institute of Human Genetics, Univ. Regensburg, Univ. Regensburg); PubMed 32707200 (cited by Institute of Human Genetics, Univ. Regensburg, Univ. Regensburg); PubMed 34997062 (cited by Institute of Human Genetics, Univ. Regensburg, Univ. Regensburg); PubMed 18429043 (cited by 4 submitters); PubMed 19683999 (cited by Athena Diagnostics and Illumina Laboratory Services, Illumina); PubMed 21078986 (cited by Athena Diagnostics); PubMed 29343940 (cited by Athena Diagnostics); PubMed 16679490 (cited by Laboratory for Molecular Medicine, Mass General Brigham Personalized Medicine).

NM_022124.6(CDH23):c.1096G>A (p.Ala366Thr)

Gene: CDH23 (cadherin related 23; plus strand). Cytogenetic location: 10q22.1.
Variant type: single nucleotide variant.
Coding change: c.1096G>A on transcript NM_022124.6 (MANE Select); coding-DNA position 1096, G replaced by A.
Protein change: p.Ala366Thr; replaces alanine 366 with threonine.
Molecular consequence: missense variant.
Genome position (GRCh38, 1-based): chr10:71,617,355, G>A. VCF-style: chr10-71617355-G-A. GRCh37 (hg19) VCF-style: chr10-73377112-G-A.
Other names: c.1096G>A, p.Ala366Thr (NM_001171930.2, NM_001171931.2, NM_001171932.2 and 1 more transcripts); short protein forms A366T.
Identifiers: ClinVar variation 44114 (VCV000044114.68), dbSNP rs143282422, ClinGen allele CA133607.
Genomic context (GRCh38, chr10:71,617,355, plus strand): 5'-CCGGAGTTCAACAGCTCCGAGTACAGCGTGGCCATCACTGAGCTGGCACAGGTCGGCTTT[G>A]CCCTTCCACTCTTCATCCAGGTGGTGGACAAGGATGAGGTGAGTCCCTGGACACATGGCC-3'
Protein context (NP_071407.4, residues 356-376): AITELAQVGF[Ala366Thr]LPLFIQVVDK